The following is an entry in ClinVar:

NM_014444.5(TUBGCP4):c.140G>A (p.Arg47Gln)

Gene: TUBGCP4 (tubulin gamma complex component 4; plus strand). Cytogenetic location: 15q15.3.
Variant type: single nucleotide variant.
Coding change: c.140G>A on transcript NM_014444.5 (MANE Select); coding-DNA position 140, G replaced by A.
Protein change: p.Arg47Gln; replaces arginine 47 with glutamine.
Molecular consequence: missense variant.
Genome position (GRCh38, 1-based): chr15:43,376,159, G>A. VCF-style: chr15-43376159-G-A. GRCh37 (hg19) VCF-style: chr15-43668357-G-A.
Other names: c.140G>A, p.Arg47Gln (NM_001286414.3); c.140G>A (NM_014444.2); short protein forms R47Q.
Identifiers: ClinVar variation 1952515 (VCV001952515.6), dbSNP rs1375575088, ClinGen allele CA392114721.

ClinVar aggregate classification (germline): Uncertain significance. Review status: criteria provided, multiple submitters, no conflicts (2 of 4 stars). 2 submissions from 2 submitters: Uncertain significance (2). Last evaluated 2025-08-04.

Conditions:
Inborn genetic diseases. Identifiers: MedGen C0950123, MeSH D030342.

Allele frequency attached by ClinVar (database versions not stated): gnomAD 0.00001; gnomAD exomes 0.00001.
gnomAD v4.1: 5 of 1,613,950 alleles (0.00031%); highest among the groups gnomAD compares: Admixed American, 0.0017%; no homozygotes.

Submissions (2):

Ambry Genetics
Classification: Uncertain significance for Inborn genetic diseases. Last evaluated: 2025-08-04. Review status: criteria provided, single submitter. Criteria: Ambry Variant Classification Scheme 2023. Collection method: clinical testing. Allele origin: germline.

Labcorp Genetics (formerly Invitae), Labcorp
Classification: Uncertain significance. Last evaluated: 2023-08-10. Review status: criteria provided, single submitter. Criteria: Invitae Variant Classification Sherloc (09022015). Collection method: clinical testing. Allele origin: germline.
Comment: In summary, the available evidence is currently insufficient to determine the role of this variant in disease. Therefore, it has been classified as a Variant of Uncertain Significance. This variant is present in population databases (no rsID available, gnomAD 0.003%). This variant has not been reported in the literature in individuals affected with TUBGCP4-related conditions. ClinVar contains an entry for this variant (Variation ID: 1952515). Advanced modeling of protein sequence and biophysical properties (such as structural, functional, and spatial information, amino acid conservation, physicochemical variation, residue mobility, and thermodynamic stability) performed at Invitae indicates that this missense variant is not expected to disrupt TUBGCP4 protein function. This sequence change replaces arginine, which is basic and polar, with glutamine, which is neutral and polar, at codon 47 of the TUBGCP4 protein (p.Arg47Gln).